The following is an entry in ClinVar:

ClinVar aggregate classification (germline): Uncertain significance (1 of 4 stars; one submission).

Conditions:
Familial encephalopathy with neuroserpin inclusion bodies. Also called: ENCEPHALOPATHY, FAMILIAL, WITH COLLINS BODIES. Identifiers: Orphanet 85110, MedGen C1858680, MONDO:0011412, OMIM 604218.

Submission:

Labcorp Genetics (formerly Invitae), Labcorp
Classification: Uncertain significance for Familial encephalopathy with neuroserpin inclusion bodies. Last evaluated: 2022-02-03. Review status: criteria provided, single submitter. Criteria: Invitae Variant Classification Sherloc (09022015). Collection method: clinical testing. Allele origin: germline.
Comment: In summary, the available evidence is currently insufficient to determine the role of this variant in disease. Therefore, it has been classified as a Variant of Uncertain Significance. Advanced modeling of protein sequence and biophysical properties (such as structural, functional, and spatial information, amino acid conservation, physicochemical variation, residue mobility, and thermodynamic stability) performed at Invitae indicates that this missense variant is not expected to disrupt SERPINI1 protein function. This variant has not been reported in the literature in individuals affected with SERPINI1-related conditions. This variant is not present in population databases (gnomAD no frequency). This sequence change replaces asparagine, which is neutral and polar, with serine, which is neutral and polar, at codon 401 of the SERPINI1 protein (p.Asn401Ser).

NM_001122752.2(SERPINI1):c.1202A>G (p.Asn401Ser)

Gene: SERPINI1 (serpin family I member 1; plus strand). Cytogenetic location: 3q26.1.
Variant type: single nucleotide variant.
Coding change: c.1202A>G on transcript NM_001122752.2 (MANE Select); coding-DNA position 1202, A replaced by G.
Protein change: p.Asn401Ser; replaces asparagine 401 with serine.
Molecular consequence: missense variant.
Genome position (GRCh38, 1-based): chr3:167,825,292, A>G. VCF-style: chr3-167825292-A-G. GRCh37 (hg19) VCF-style: chr3-167543080-A-G.
Other names: c.1202A>G, p.Asn401Ser (NM_005025.5); short protein forms N401S.
Identifiers: ClinVar variation 1498376 (VCV001498376.8), dbSNP rs2108576523, ClinGen allele CA355158096.